The following is an entry in ClinVar:

NM_006912.6(RIT1):c.-43-74G>A

Gene: RIT1 (Ras like without CAAX 1; minus strand). Cytogenetic location: 1q22.
Variant type: single nucleotide variant.
Coding change: c.-43-74G>A on transcript NM_006912.6 (MANE Select); 74 bases into the intron before 43 bases upstream of the start codon, G replaced by A.
Molecular consequence: intron variant. On other transcripts: missense variant (1).
Genome position (GRCh38, 1-based): chr1:155,910,878, C>T on the plus strand (G>A on the coding strand, the complement: RIT1 is on the minus strand). VCF-style: chr1-155910878-C-T. GRCh37 (hg19) VCF-style: chr1-155880669-C-T.
Other names: c.8G>A, p.Arg3Lys (NM_001256821.2); c.-3+365G>A (NM_001256820.2); short protein forms R3K.
Identifiers: ClinVar variation 181520 (VCV000181520.8), dbSNP rs730881012, ClinGen allele CA297157.

ClinVar aggregate classification (germline): Conflicting classifications of pathogenicity. Review status: criteria provided, conflicting classifications (1 of 4 stars). 4 submissions from 4 submitters: Uncertain significance (1); Likely benign (3). Last evaluated 2025-04-30.

Conditions:
RIT1-related disorder. Also called: RIT1-related condition.
Noonan syndrome 8 (NS8). Identifiers: Orphanet 648, MedGen C3809233, MONDO:0014143, OMIM 615355.

Allele frequency attached by ClinVar (database versions not stated): ExAC 0.00016; gnomAD 0.00001 and 0.00003; TOPMed 0.00006; gnomAD exomes 0.00013.
gnomAD v4.1: 76 of 1,585,534 alleles (0.0048%); highest among the groups gnomAD compares: Middle Eastern, 0.05%; no homozygotes.

Submissions (4):

PreventionGenetics, part of Exact Sciences
Classification: Likely benign for RIT1-related condition. Last evaluated: 2025-04-30. Review status: criteria provided, single submitter. Criteria: ACMG Guidelines, 2015. Collection method: clinical testing. Allele origin: germline.
Comment: This variant is classified as likely benign based on ACMG/AMP sequence variant interpretation guidelines (Richards et al. 2015 PMID: 25741868, with internal and published modifications).

Blueprint Genetics
Classification: Likely benign. Last evaluated: 2024-11-25. Review status: criteria provided, single submitter. Criteria: ACMG Guidelines, 2015. Collection method: clinical testing. Allele origin: germline.

Department of Pathology and Laboratory Medicine, Sinai Health System
Classification: Likely benign for Noonan syndrome 8. Last evaluated: 2020-08-23. Review status: criteria provided, single submitter. Criteria: ACMG Guidelines, 2015. Collection method: research. Allele origin: germline.

Laboratory for Molecular Medicine, Mass General Brigham Personalized Medicine
Classification: Uncertain significance. Last evaluated: 2016-05-26. Review status: criteria provided, single submitter. Criteria: LMM Criteria. Collection method: clinical testing. Allele origin: germline. Observed: 1 variant allele.
Comment: The p.Arg3Lys variant in RIT1 has not been previously reported in individuals wi th Noonan spectrum disorders, but has been identified in 8/49232 chromosomes by the Exome Aggregation Consortium (ExAC; dbSNP rs 730881012). This variant is located in the last base of the exon, which is part of the 5? splice region. Computational tools do not suggest an impact to splicin g or an impact to the protein. However, this information is not predictive enoug h to rule out pathogenicity. In summary, the clinical significance of the p.Arg3 Lys variant is uncertain.